The following is an entry in ClinVar:

NM_133510.4(RAD51B):c.388A>G (p.Asn130Asp)

Gene: RAD51B (RAD51 paralog B; plus strand). Cytogenetic location: 14q24.1.
Variant type: single nucleotide variant.
Coding change: c.388A>G on transcript NM_133510.4 (MANE Select); coding-DNA position 388, A replaced by G.
Protein change: p.Asn130Asp; replaces asparagine 130 with aspartic acid.
Molecular consequence: missense variant.
Genome position (GRCh38, 1-based): chr14:67,865,075, A>G. VCF-style: chr14-67865075-A-G. GRCh37 (hg19) VCF-style: chr14-68331792-A-G.
Other names: c.388A>G, p.Asn130Asp (NM_001321809.2, NM_001321810.2, NM_001321812.1 and 6 more transcripts); c.274A>G, p.Asn92Asp (NM_001321815.1); c.31A>G, p.Asn11Asp (NM_001321817.2); short protein forms N130D, N11D, N92D.
Identifiers: ClinVar variation 3786432 (VCV003786432.1).

ClinVar aggregate classification (germline): Uncertain significance (1 of 4 stars; one submission).

Submission:

Ambry Genetics
Classification: Uncertain significance. Last evaluated: 2025-01-27. Review status: criteria provided, single submitter. Criteria: Ambry Variant Classification Scheme 2023. Collection method: clinical testing. Allele origin: germline.
Comment: The p.N130D variant (also known as c.388A>G), located in coding exon 4 of the RAD51B gene, results from an A to G substitution at nucleotide position 388. The asparagine at codon 130 is replaced by aspartic acid, an amino acid with highly similar properties. This amino acid position is conserved. In addition, this alteration is predicted to be tolerated by in silico analysis. Based on the available evidence, the clinical significance of this variant remains unclear.